The following is an entry in ClinVar:

ClinVar aggregate classification (germline): Uncertain significance (1 of 4 stars; one submission).

Conditions:
Hearing loss, autosomal dominant 37. Also called: DEAFNESS, AUTOSOMAL DOMINANT 37. Identifiers: MedGen C4760307, MONDO:0032802, OMIM 618533.

Allele frequency attached by ClinVar (database versions not stated): gnomAD exomes below 0.00001.
gnomAD v4.1: 1 of 1,613,400 alleles (0.000062%); highest among the groups gnomAD compares: Non-Finnish European, 0.000085%; no homozygotes.

Submission:

3billion
Classification: Uncertain significance for Hearing loss, autosomal dominant 37. Last evaluated: 2022-05-22. Review status: criteria provided, single submitter. Criteria: ACMG Guidelines, 2015. Collection method: clinical testing. Allele origin: germline. Affected: yes. Observed: 1 heterozygote.
Comment: The variant is not observed in the gnomAD v2.1.1 dataset. In silico tool predictions suggest damaging effect of the variant on gene or gene product (REVEL: 0.79; 3Cnet: 0.10). Therefore, this variant is classified as uncertain significanceaccording to the recommendation of ACMG/AMP guideline.

NM_001854.4(COL11A1):c.388G>A (p.Glu130Lys)

Gene: COL11A1 (collagen type XI alpha 1 chain; minus strand). Cytogenetic location: 1p21.1.
Variant type: single nucleotide variant.
Coding change: c.388G>A on transcript NM_001854.4 (MANE Select); coding-DNA position 388, G replaced by A.
Protein change: p.Glu130Lys; replaces glutamic acid 130 with lysine.
Molecular consequence: missense variant. On other transcripts: non-coding transcript variant (1).
Genome position (GRCh38, 1-based): chr1:103,078,758, C>T on the plus strand (G>A on the coding strand, the complement: COL11A1 is on the minus strand). VCF-style: chr1-103078758-C-T. GRCh37 (hg19) VCF-style: chr1-103544314-C-T.
Other names: c.388G>A, p.Glu130Lys (NM_001190709.2, NM_080629.3, NM_080630.4); short protein forms E130K.
Identifiers: ClinVar variation 1687352 (VCV001687352.1), dbSNP rs2102303130, ClinGen allele CA341167844.